The following is an entry in ClinVar:

ClinVar aggregate classification (germline): Uncertain significance (1 of 4 stars; one submission).

Conditions:
Glycogen storage disease type III (GSD3). Also called: Cori disease; FORBES DISEASE. Identifiers: Orphanet 366, MedGen C0017922, MONDO:0009291, OMIM 232400.

Allele frequency attached by ClinVar (database versions not stated): gnomAD exomes below 0.00001.
gnomAD v4.1: 1 of 1,613,726 alleles (0.000062%); highest among the groups gnomAD compares: Non-Finnish European, 0.000085%; no homozygotes.

Submission:

Labcorp Genetics (formerly Invitae), Labcorp
Classification: Uncertain significance for Glycogen storage disease type III. Last evaluated: 2020-01-28. Review status: criteria provided, single submitter. Criteria: Invitae Variant Classification Sherloc (09022015). Collection method: clinical testing. Allele origin: germline.
Comment: In summary, the available evidence is currently insufficient to determine the role of this variant in disease. Therefore, it has been classified as a Variant of Uncertain Significance. Algorithms developed to predict the effect of missense changes on protein structure and function are either unavailable or do not agree on the potential impact of this missense change (SIFT: "Deleterious"; PolyPhen-2: "Probably Damaging"; Align-GVGD: "Class C0"). This variant has not been reported in the literature in individuals with AGL-related conditions. This variant is not present in population databases (ExAC no frequency). This sequence change replaces phenylalanine with leucine at codon 557 of the AGL protein (p.Phe557Leu). The phenylalanine residue is highly conserved and there is a small physicochemical difference between phenylalanine and leucine.

NM_000642.3(AGL):c.1671C>A (p.Phe557Leu)

Gene: AGL (amylo-alpha-1,6-glucosidase and 4-alpha-glucanotransferase; plus strand). Cytogenetic location: 1p21.2.
Variant type: single nucleotide variant.
Coding change: c.1671C>A on transcript NM_000642.3 (MANE Select); coding-DNA position 1671, C replaced by A.
Protein change: p.Phe557Leu; replaces phenylalanine 557 with leucine.
Molecular consequence: missense variant.
Genome position (GRCh38, 1-based): chr1:99,879,982, C>A. VCF-style: chr1-99879982-C-A. GRCh37 (hg19) VCF-style: chr1-100345538-C-A.
Other names: c.1671C>A, p.Phe557Leu (NM_000028.3, NM_000643.3, NM_000644.3 and 2 more transcripts); c.1623C>A, p.Phe541Leu (NM_000646.3); c.1470C>A, p.Phe490Leu (NM_001425327.1); c.1467C>A, p.Phe489Leu (NM_001425328.1, NM_001425329.1); c.1293C>A, p.Phe431Leu (NM_001425332.1); short protein forms F557L, F541L, F431L, F489L, F490L.
Identifiers: ClinVar variation 1047608 (VCV001047608.9), dbSNP rs1651875081, ClinGen allele CA341315606.